The following is an entry in ClinVar:

NM_080605.4(B3GALT6):c.313G>C (p.Glu105Gln)

Gene: B3GALT6 (beta-1,3-galactosyltransferase 6; plus strand). Cytogenetic location: 1p36.33.
Variant type: single nucleotide variant.
Coding change: c.313G>C on transcript NM_080605.4 (MANE Select); coding-DNA position 313, G replaced by C.
Protein change: p.Glu105Gln; replaces glutamic acid 105 with glutamine.
Molecular consequence: missense variant.
Genome position (GRCh38, 1-based): chr1:1,232,591, G>C. VCF-style: chr1-1232591-G-C. GRCh37 (hg19) VCF-style: chr1-1167971-G-C.
Other names: short protein forms E105Q.
Identifiers: ClinVar variation 623665 (VCV000623665.44), dbSNP rs1199531500, ClinGen allele CA337824337.

ClinVar aggregate classification (germline): Uncertain significance. Review status: criteria provided, multiple submitters, no conflicts (2 of 4 stars). 2 submissions from 2 submitters: Uncertain significance (2). Last evaluated 2020-01-13.

Conditions:
Spondyloepimetaphyseal dysplasia with joint laxity, type 1, with or without fractures (SEMDJL1). Also called: SPONDYLOEPIMETAPHYSEAL DYSPLASIA WITH JOINT LAXITY, TYPE 1. Identifiers: Orphanet 642099, Orphanet 93359, MedGen C4017377, MONDO:0010075, OMIM 271640.

Allele frequency attached by ClinVar (database versions not stated): gnomAD exomes 0.00001; TOPMed 0.00002; gnomAD 0.00003 and 0.00004.
gnomAD v4.1: 11 of 1,199,574 alleles (0.00092%); highest among the groups gnomAD compares: Non-Finnish European, 0.0011%; no homozygotes.

Submissions (2):

Baylor Genetics
Classification: Uncertain significance for Spondyloepimetaphyseal dysplasia with joint laxity, type 1, with or without fractures. Last evaluated: 2020-01-13. Review status: criteria provided, single submitter. Criteria: ACMG Guidelines, 2015. Collection method: clinical testing. Allele origin: unknown. Affected: yes.
Comment: This variant was determined to be of uncertain significance according to ACMG Guidelines, 2015 [PMID:25741868].

CeGaT Center for Human Genetics Tuebingen
Classification: Uncertain significance. Last evaluated: 2019-12-01. Review status: criteria provided, single submitter. Criteria: CeGaT Center For Human Genetics Tuebingen Variant Classification Criteria Version 2. Collection method: clinical testing. Allele origin: germline. Affected: yes. Observed: 2 variant alleles.